The following is an entry in ClinVar:

NM_000081.4(LYST):c.10702G>C (p.Val3568Leu)

Gene: LYST (lysosomal trafficking regulator; minus strand). Cytogenetic location: 1q42.3.
Variant type: single nucleotide variant.
Coding change: c.10702G>C on transcript NM_000081.4 (MANE Select); coding-DNA position 10702, G replaced by C.
Protein change: p.Val3568Leu; replaces valine 3568 with leucine.
Molecular consequence: missense variant.
Genome position (GRCh38, 1-based): chr1:235,687,047, C>G on the plus strand (G>C on the coding strand, the complement: LYST is on the minus strand). VCF-style: chr1-235687047-C-G. GRCh37 (hg19) VCF-style: chr1-235850347-C-G.
Other names: c.10702G>C, p.Val3568Leu (NM_001301365.1); short protein forms V3568L.
Identifiers: ClinVar variation 1716311 (VCV001716311.5), dbSNP rs1167180715, ClinGen allele CA344924417.
Genomic context (GRCh38, chr1:235,687,047, plus strand): 5'-CACCGCATTTGCTTCCAGTAAACAGCTGGCAACTGTCAGGCACCCAAGCACAACTAGTCA[C>G]CTTTGAAAAAGGACCAATCAAAGATTATCATGTTTTAAAAGAATGAAACTTAAAGTATAA-3'
Protein context (NP_000072.2, residues 3558-3578): NFIQSSQQYQ[Val3568Leu]TSCAWVPDSC

ClinVar aggregate classification (germline): Uncertain significance (1 of 4 stars; one submission).

Conditions:
Chédiak-Higashi syndrome (CHS). Also called: Chediak-Higashi Syndrome. Identifiers: Orphanet 167, MedGen C0007965, MONDO:0008963, OMIM 214500.

Submission:

Labcorp Genetics (formerly Invitae), Labcorp
Classification: Uncertain significance for Chédiak-Higashi syndrome. Last evaluated: 2022-08-13. Review status: criteria provided, single submitter. Criteria: Invitae Variant Classification Sherloc (09022015). Collection method: clinical testing. Allele origin: germline.
Comment: In summary, the available evidence is currently insufficient to determine the role of this variant in disease. Therefore, it has been classified as a Variant of Uncertain Significance. Algorithms developed to predict the effect of sequence changes on RNA splicing suggest that this variant may disrupt the consensus splice site. Algorithms developed to predict the effect of missense changes on protein structure and function are either unavailable or do not agree on the potential impact of this missense change (SIFT: "Tolerated"; PolyPhen-2: "Probably Damaging"; Align-GVGD: "Class C0"). This variant has not been reported in the literature in individuals affected with LYST-related conditions. This variant is not present in population databases (gnomAD no frequency). This sequence change replaces valine, which is neutral and non-polar, with leucine, which is neutral and non-polar, at codon 3568 of the LYST protein (p.Val3568Leu).